The following is an entry in ClinVar:

ClinVar aggregate classification (germline): Uncertain significance (1 of 4 stars; one submission).

Allele frequency attached by ClinVar (database versions not stated): TOPMed below 0.00001; gnomAD 0.00001; gnomAD exomes 0.00001 and 0.00002; ExAC 0.00002.
gnomAD v4.1: 20 of 1,614,130 alleles (0.0012%); highest among the groups gnomAD compares: East Asian, 0.0022%; no homozygotes.

Submission:

Labcorp Genetics (formerly Invitae), Labcorp
Classification: Uncertain significance. Last evaluated: 2021-09-01. Review status: criteria provided, single submitter. Criteria: Invitae Variant Classification Sherloc (09022015). Collection method: clinical testing. Allele origin: germline.
Comment: This sequence change replaces glutamic acid with lysine at codon 1070 of the ELP1 protein (p.Glu1070Lys). The glutamic acid residue is moderately conserved and there is a small physicochemical difference between glutamic acid and lysine. This variant is present in population databases (rs778318147, ExAC 0.004%). This variant has not been reported in the literature in individuals affected with ELP1-related conditions. Algorithms developed to predict the effect of missense changes on protein structure and function (SIFT, PolyPhen-2, Align-GVGD) all suggest that this variant is likely to be tolerated. In summary, the available evidence is currently insufficient to determine the role of this variant in disease. Therefore, it has been classified as a Variant of Uncertain Significance.

NM_003640.5(ELP1):c.3208G>A (p.Glu1070Lys)

Gene: ELP1 (elongator acetyltransferase complex subunit 1; minus strand). Cytogenetic location: 9q31.3.
Variant type: single nucleotide variant.
Coding change: c.3208G>A on transcript NM_003640.5 (MANE Select); coding-DNA position 3208, G replaced by A.
Protein change: p.Glu1070Lys; replaces glutamic acid 1070 with lysine.
Molecular consequence: missense variant.
Genome position (GRCh38, 1-based): chr9:108,889,346, C>T on the plus strand (G>A on the coding strand, the complement: ELP1 is on the minus strand). VCF-style: chr9-108889346-C-T. GRCh37 (hg19) VCF-style: chr9-111651626-C-T.
Other names: c.2866G>A, p.Glu956Lys (NM_001318360.2); c.2161G>A, p.Glu721Lys (NM_001330749.2); short protein forms E956K, E721K, E1070K.
Identifiers: ClinVar variation 1355840 (VCV001355840.5), dbSNP rs778318147, ClinGen allele CA5174391.